The following is an entry in ClinVar:

ClinVar aggregate classification (germline): Likely benign (1 of 4 stars; one submission).

Submission:

CeGaT Center for Human Genetics Tuebingen
Classification: Likely benign. Last evaluated: 2026-07-01. Review status: criteria provided, single submitter. Criteria: CeGaT Center For Human Genetics Tuebingen Variant Classification Criteria Version 2. Collection method: clinical testing. Allele origin: germline. Affected: yes. Observed: 2 variant alleles.
Comment: H3-3B: BP4, BP7, BS1

NM_005324.5(H3-3B):c.270C>T (p.Ile90=)

Gene: H3-3B (H3.3 histone B; minus strand). Cytogenetic location: 17q25.1.
Variant type: single nucleotide variant.
Coding change: c.270C>T on transcript NM_005324.5 (MANE Select); coding-DNA position 270, C replaced by T.
Protein change: p.Ile90=; no amino-acid change (isoleucine 90 retained).
Molecular consequence: synonymous variant.
Genome position (GRCh38, 1-based): chr17:75,778,822, G>A on the plus strand (C>T on the coding strand, the complement: H3-3B is on the minus strand). VCF-style: chr17-75778822-G-A. GRCh37 (hg19) VCF-style: chr17-73774903-G-A.
Identifiers: ClinVar variation 3771757 (VCV003771757.13).